The following is an entry in ClinVar:

NM_199420.4(POLQ):c.5393C>G (p.Pro1798Arg)

Gene: POLQ (DNA polymerase theta; minus strand). Cytogenetic location: 3q13.33.
Variant type: single nucleotide variant.
Coding change: c.5393C>G on transcript NM_199420.4 (MANE Select); coding-DNA position 5393, C replaced by G.
Protein change: p.Pro1798Arg; replaces proline 1798 with arginine.
Molecular consequence: missense variant.
Genome position (GRCh38, 1-based): chr3:121,487,538, G>C on the plus strand (C>G on the coding strand, the complement: POLQ is on the minus strand). VCF-style: chr3-121487538-G-C. GRCh37 (hg19) VCF-style: chr3-121206385-G-C.
Other names: short protein forms P1798R.
Identifiers: ClinVar variation 1747237 (VCV001747237.2), dbSNP rs2546784784, ClinGen allele CA354090300.
Genomic context (GRCh38, chr3:121,487,538, plus strand): 5'-GCTGGAGTTAACTGTAATCCATCCTGTGATAACTGAAGTGAAAAGCTTGTGTCACTAATA[G>C]GGCTGTTGTCTTTGAACCCATTTCTACTCCCTGGACTTAAATCGTGGTTTTTAATATCTG-3'
Protein context (NP_955452.3, residues 1788-1808): GSRNGFKDNS[Pro1798Arg]ISDTSFSLQL

ClinVar aggregate classification (germline): Uncertain significance (1 of 4 stars; one submission).

Allele frequency attached by ClinVar (database versions not stated): gnomAD exomes below 0.00001.
gnomAD v4.1: 1 of 1,613,988 alleles (0.000062%); highest among the groups gnomAD compares: Non-Finnish European, 0.000085%; no homozygotes.

Submission:

Ambry Genetics
Classification: Uncertain significance. Last evaluated: 2021-08-24. Review status: criteria provided, single submitter. Criteria: Ambry Variant Classification Scheme 2023. Collection method: clinical testing. Allele origin: germline.
Comment: The p.P1798R variant (also known as c.5393C>G), located in coding exon 16 of the POLQ gene, results from a C to G substitution at nucleotide position 5393. The proline at codon 1798 is replaced by arginine, an amino acid with dissimilar properties. This amino acid position is conserved. In addition, this alteration is predicted to be tolerated by in silico analysis. Since supporting evidence is limited at this time, the clinical significance of this alteration remains unclear.